The following is an entry in ClinVar:

ClinVar aggregate classification (germline): Uncertain significance. Review status: criteria provided, multiple submitters, no conflicts (2 of 4 stars). 2 submissions from 2 submitters: Uncertain significance (2). Last evaluated 2024-08-05.

Allele frequency attached by ClinVar (database versions not stated): TOPMed 0.00002; gnomAD 0.00003 and 0.00004.
gnomAD v4.1: 7 of 1,548,378 alleles (0.00045%); highest among the groups gnomAD compares: Admixed American, 0.0041%; no homozygotes.

Submissions (2):

Ambry Genetics
Classification: Uncertain significance. Last evaluated: 2024-08-05. Review status: criteria provided, single submitter. Criteria: Ambry Variant Classification Scheme 2023. Collection method: clinical testing. Allele origin: germline.

Labcorp Genetics (formerly Invitae), Labcorp
Classification: Uncertain significance. Last evaluated: 2021-01-14. Review status: criteria provided, single submitter. Criteria: Invitae Variant Classification Sherloc (09022015). Collection method: clinical testing. Allele origin: germline.
Comment: In summary, the available evidence is currently insufficient to determine the role of this variant in disease. Therefore, it has been classified as a Variant of Uncertain Significance. Algorithms developed to predict the effect of missense changes on protein structure and function (SIFT, PolyPhen-2, Align-GVGD) all suggest that this variant is likely to be tolerated, but these predictions have not been confirmed by published functional studies and their clinical significance is uncertain. This variant has not been reported in the literature in individuals with SAMD11-related conditions. The frequency data for this variant in the population databases is considered unreliable, as metrics indicate insufficient coverage at this position in the ExAC database. This sequence change replaces threonine with isoleucine at codon 485 of the SAMD11 protein (p.Thr485Ile). The threonine residue is weakly conserved and there is a moderate physicochemical difference between threonine and isoleucine.

NM_001385641.1(SAMD11):c.1943C>T (p.Thr648Ile)

Gene: SAMD11 (sterile alpha motif domain containing 11; plus strand). Cytogenetic location: 1p36.33.
Variant type: single nucleotide variant.
Coding change: c.1943C>T on transcript NM_001385641.1 (MANE Select); coding-DNA position 1943, C replaced by T.
Protein change: p.Thr648Ile; replaces threonine 648 with isoleucine.
Molecular consequence: missense variant.
Genome position (GRCh38, 1-based): chr1:942,948, C>T. VCF-style: chr1-942948-C-T. GRCh37 (hg19) VCF-style: chr1-878328-C-T.
Other names: c.1454C>T (NM_152486.2); c.1946C>T, p.Thr649Ile (NM_001385640.1); c.1454C>T, p.Thr485Ile (NM_152486.4); short protein forms T485I, T648I, T649I.
Identifiers: ClinVar variation 1064393 (VCV001064393.10), dbSNP rs983980237, ClinGen allele CA16725407.
Genomic context (GRCh38, chr1:942,948, plus strand): 5'-CCCCCAAAGACTCGGACGGAGAGGACCCCGAGACGGCAGCTGTTGGGTGCAGGGGGCCCA[C>T]TCCGGGCCAAGCTCCAGCTGGAGGGGCCGGCGCCGAGGGGAAGGGGCTTTTCCCAGGGTC-3'
Protein context (NP_001372570.1, residues 638-658): ETAAVGCRGP[Thr648Ile]PGQAPAGGAG